The following is an entry in ClinVar:

ClinVar aggregate classification (germline): Uncertain significance (1 of 4 stars; one submission).

Submission:

Labcorp Genetics (formerly Invitae), Labcorp
Classification: Uncertain significance. Last evaluated: 2025-10-18. Review status: criteria provided, single submitter. Criteria: Invitae Variant Classification Sherloc (09022015). Collection method: clinical testing. Allele origin: germline.
Comment: This sequence change falls in intron 7 of the REN gene. It does not directly change the encoded amino acid sequence of the REN protein. This variant is not present in population databases (gnomAD no frequency). This variant has not been reported in the literature in individuals affected with REN-related conditions. In summary, the available evidence is currently insufficient to determine the role of this variant in disease. Therefore, it has been classified as a Variant of Uncertain Significance.

NM_000537.4(REN):c.819-45TCTG[13]

Gene: REN (renin; minus strand). Cytogenetic location: 1q32.1.
Variant type: Microsatellite.
Coding change: c.819-45TCTG[13] on transcript NM_000537.4 (MANE Select); 13 copies in a row of the 4-base unit TCTG starting at c.819-45; the reference has seven copies in a row; six copies, 24 bases duplicated.
Molecular consequence: intron variant.
Genome position (GRCh38, 1-based): chr1:204,156,337-204,156,360, CAGACAGACAGACAGACAGACAGA duplicated on the plus strand (TCTGTCTGTCTGTCTGTCTGTCTG on the coding strand, the reverse complement: REN is on the minus strand); duplicating any 24 consecutive bases within chr1:204,156,337-204,156,364 gives the same sequence; the position shown is the placement nearest the transcript's 3' end. VCF-style (leftmost placement, unchanged base first): chr1-204156336-T-TCAGACAGACAGACAGACAGACAGA. GRCh37 (hg19) VCF-style: chr1-204125464-T-TCAGACAGACAGACAGACAGACAGA.
Identifiers: ClinVar variation 1899561 (VCV001899561.5), dbSNP rs3839003, ClinGen allele CA730336751.